The following is an entry in ClinVar:

NM_002602.4(PDE6G):c.*526C>T

Gene: PDE6G (phosphodiesterase 6G; minus strand). Cytogenetic location: 17q25.3.
Variant type: single nucleotide variant.
Coding change: c.*526C>T on transcript NM_002602.4 (MANE Select); 526 bases downstream of the stop codon, C replaced by T.
Molecular consequence: 3 prime UTR variant. On other transcripts: non-coding transcript variant (2).
Genome position (GRCh38, 1-based): chr17:81,650,548, G>A on the plus strand (C>T on the coding strand, the complement: PDE6G is on the minus strand). VCF-style: chr17-81650548-G-A. GRCh37 (hg19) VCF-style: chr17-79617578-G-A.
Other names: c.*526C>T (NM_001365724.1, NM_001365725.1).
Identifiers: ClinVar variation 325851 (VCV000325851.5), dbSNP rs114250932, ClinGen allele CA8838921.

ClinVar aggregate classification (germline): Likely benign (1 of 4 stars; one submission).

Conditions:
Retinitis pigmentosa (RP). Identifiers: Orphanet 791, MedGen C0035334, MeSH D012174, MONDO:0019200, OMIM 268000. Inheritance: Autosomal dominant, autosomal recessive and X linked inheritance.

Allele frequency attached by ClinVar (database versions not stated): ExAC 0.00260; gnomAD exomes 0.00317 and 0.00535; 1000 Genomes Project 0.02196; 1000 Genomes Project 30x 0.02233; gnomAD 0.02417 and 0.02589; TOPMed 0.02783.

Submission:

Illumina Laboratory Services, Illumina
Classification: Likely benign for Retinitis pigmentosa. Last evaluated: 2018-01-12. Review status: criteria provided, single submitter. Criteria: ICSL Variant Classification Criteria 13 December 2019. Collection method: clinical testing. Allele origin: germline.
Comment: This variant was observed in the ICSL laboratory as part of a predisposition screen in an ostensibly healthy population. It had not been previously curated by ICSL or reported in the Human Gene Mutation Database (HGMD: prior to June 1st, 2018), and was therefore a candidate for classification through an automated scoring system. Utilizing variant allele frequency, disease prevalence and penetrance estimates, and inheritance mode, an automated score was calculated to assess if this variant is too frequent to cause the disease. Based on the score and internal cut-off values, a variant classified as likely benign is not then subjected to further curation. The score for this variant resulted in a classification of likely benign for this disease.